The following is an entry in ClinVar:

ClinVar aggregate classification (germline): Uncertain significance (1 of 4 stars; one submission).

Conditions:
Fanconi anemia (FA). Also called: Fanconi's anemia. Identifiers: Orphanet 84, MedGen C0015625, MeSH D005199, MONDO:0019391.

Submission:

Labcorp Genetics (formerly Invitae), Labcorp
Classification: Uncertain significance for Fanconi anemia. Last evaluated: 2022-06-10. Review status: criteria provided, single submitter. Criteria: Invitae Variant Classification Sherloc (09022015). Collection method: clinical testing. Allele origin: germline.
Comment: In summary, the available evidence is currently insufficient to determine the role of this variant in disease. Therefore, it has been classified as a Variant of Uncertain Significance. Algorithms developed to predict the effect of missense changes on protein structure and function are either unavailable or do not agree on the potential impact of this missense change (SIFT: "Deleterious"; PolyPhen-2: "Possibly Damaging"; Align-GVGD: "Class C0"). This variant has not been reported in the literature in individuals affected with FANCD2-related conditions. This variant is not present in population databases (gnomAD no frequency). This sequence change replaces leucine, which is neutral and non-polar, with arginine, which is basic and polar, at codon 683 of the FANCD2 protein (p.Leu683Arg).

NM_001018115.3(FANCD2):c.2048T>G (p.Leu683Arg)

Genes: FANCD2 (FA complementation group D2; plus strand), LOC107303338 (3p25 FANCD2 Alu-mediated recombination region; plus strand). Cytogenetic location: 3p25.3.
Variant type: single nucleotide variant.
Coding change: c.2048T>G on transcript NM_001018115.3 (MANE Select); coding-DNA position 2048, T replaced by G.
Protein change: p.Leu683Arg; replaces leucine 683 with arginine.
Molecular consequence: missense variant.
Genome position (GRCh38, 1-based): chr3:10,064,755, T>G. VCF-style: chr3-10064755-T-G. GRCh37 (hg19) VCF-style: chr3-10106439-T-G.
Other names: c.2048T>G, p.Leu683Arg (NM_001319984.2, NM_001374254.1, NM_033084.6); c.1937T>G, p.Leu646Arg (NM_001374253.1); short protein forms L646R, L683R.
Identifiers: ClinVar variation 1915811 (VCV001915811.3), dbSNP rs1487671443, ClinGen allele CA351732964.